The following is an entry in ClinVar:

ClinVar aggregate classification (germline): Uncertain significance (1 of 4 stars; one submission).

Conditions:
Congenital bile acid synthesis defect 1 (CBAS1). Also called: 3-BETA-HYDROXY-DELTA-5-C27-STEROID OXIDOREDUCTASE DEFICIENCY. Identifiers: Orphanet 79301, MedGen C1843116, MONDO:0011906, OMIM 607765.

Allele frequency attached by ClinVar (database versions not stated): gnomAD 0.00001; TOPMed 0.00001; ExAC 0.00002; gnomAD exomes 0.00002 and 0.00003; ESP Exome Variant Server 0.00008.
gnomAD v4.1: 40 of 1,613,888 alleles (0.0025%); highest among the groups gnomAD compares: South Asian, 0.0044%; no homozygotes.

Submission:

Baylor Genetics
Classification: Uncertain significance for Congenital bile acid synthesis defect 1. Last evaluated: 2019-10-04. Review status: criteria provided, single submitter. Criteria: ACMG Guidelines, 2015. Collection method: clinical testing. Allele origin: unknown. Affected: yes.
Comment: This variant was determined to be of uncertain significance according to ACMG Guidelines, 2015 [PMID:25741868].

NM_025193.4(HSD3B7):c.557C>T (p.Thr186Met)

Gene: HSD3B7 (hydroxy-delta-5-steroid dehydrogenase, 3 beta- and steroid delta-isomerase 7; plus strand). Cytogenetic location: 16p11.2.
Variant type: single nucleotide variant.
Coding change: c.557C>T on transcript NM_025193.4 (MANE Select); coding-DNA position 557, C replaced by T.
Protein change: p.Thr186Met; replaces threonine 186 with methionine.
Molecular consequence: missense variant. On other transcripts: intron variant (2).
Genome position (GRCh38, 1-based): chr16:30,986,865, C>T. VCF-style: chr16-30986865-C-T. GRCh37 (hg19) VCF-style: chr16-30998186-C-T.
Other names: c.531+161C>T (NM_001142777.2, NM_001142778.2); short protein forms T186M.
Identifiers: ClinVar variation 1030915 (VCV001030915.1), dbSNP rs141929596, ClinGen allele CA8018039.